The following is an entry in ClinVar:

NM_000388.4(CASR):c.569A>G (p.Asp190Gly)

Gene: CASR (calcium sensing receptor; plus strand). Cytogenetic location: 3q21.1.
Variant type: single nucleotide variant.
Coding change: c.569A>G on transcript NM_000388.4 (MANE Select); coding-DNA position 569, A replaced by G.
Protein change: p.Asp190Gly; replaces aspartic acid 190 with glycine.
Molecular consequence: missense variant.
Genome position (GRCh38, 1-based): chr3:122,261,604, A>G. VCF-style: chr3-122261604-A-G. GRCh37 (hg19) VCF-style: chr3-121980451-A-G.
Other names: c.569A>G, p.Asp190Gly (NM_001178065.2); short protein forms D190G.
Identifiers: ClinVar variation 2925358 (VCV002925358.4), dbSNP rs2473225374, ClinGen allele CA354150866.

ClinVar aggregate classification (germline): Likely pathogenic. Review status: criteria provided, multiple submitters, no conflicts (2 of 4 stars). 2 submissions from 2 submitters: Likely pathogenic (2). Last evaluated 2025-09-02.

Conditions:
Familial hypocalciuric hypercalcemia (FHH). Also called: Familial benign hypercalcemia. Identifiers: Orphanet 405, MedGen C1809471, MONDO:0018458.
Autosomal dominant hypocalcemia 1 (HYPOC1). Also called: HYPOCALCEMIA, FAMILIAL. Identifiers: MedGen C3715128, MONDO:0011013, OMIM 601198.

Allele frequency attached by ClinVar (database versions not stated): gnomAD exomes below 0.00001.
gnomAD v4.1: 1 of 1,614,236 alleles (0.000062%); highest among the groups gnomAD compares: Non-Finnish European, 0.000085%; no homozygotes.

Submissions (2):

Labcorp Genetics (formerly Invitae), Labcorp
Classification: Likely pathogenic for Familial hypocalciuric hypercalcemia; Autosomal dominant hypocalcemia 1. Last evaluated: 2025-09-02. Review status: criteria provided, single submitter. Criteria: Invitae Variant Classification Sherloc (09022015). Collection method: clinical testing. Allele origin: germline.
Comment: This sequence change replaces aspartic acid, which is acidic and polar, with glycine, which is neutral and non-polar, at codon 190 of the CASR protein (p.Asp190Gly). This variant is not present in population databases (gnomAD no frequency). This missense change has been observed in individuals with clinical features of hypocalciuric hypercalcemia (PMID: 20697181; internal data). It has also been observed to segregate with disease in related individuals. ClinVar contains an entry for this variant (Variation ID: 2925358). An algorithm developed to predict the effect of missense changes on protein structure and function (PolyPhen-2) suggests that this variant is likely to be disruptive. Experimental studies have shown that this missense change affects CASR function (PMID: 20697181). In summary, the currently available evidence indicates that the variant is pathogenic, but additional data are needed to prove that conclusively. Therefore, this variant has been classified as Likely Pathogenic.

Women's Health and Genetics/Laboratory Corporation of America, LabCorp
Classification: Likely pathogenic for Familial hypocalciuric hypercalcemia. Last evaluated: 2024-09-24. Review status: criteria provided, single submitter. Criteria: LabCorp Variant Classification Summary - May 2015. Collection method: clinical testing. Allele origin: germline.
Comment: Variant summary: CASR c.569A>G (p.Asp190Gly) results in a non-conservative amino acid change located in the Receptor, ligand binding region domain (IPR001828) of the encoded protein sequence. Five of five in-silico tools predict a damaging effect of the variant on protein function. The variant was absent in 251214 control chromosomes. c.569A>G has been reported in the literature in the heterozygous state segregation with disease in at least 1 family affected with autosomal dominant Familial Hypocalciuric Hypercalcemia (example, Nanjo_2010). These data indicate that the variant is likely to be associated with disease. At least one publication reports experimental evidence evaluating an impact on protein function and showed that HEK293 cells transfected with D190G vector failed to induce the phosphorylation of ERK1/2 (example, Nanjo_2010). The following publication has been ascertained in the context of this evaluation (PMID: 20697181). ClinVar contains an entry for this variant (Variation ID: 2925358). Based on the evidence outlined above, the variant was classified as likely pathogenic.

Literature cited by the submitters: PubMed 20697181 (cited by Labcorp Genetics (formerly Invitae), Labcorp and Women's Health and Genetics/Laboratory Corporation of America, LabCorp).